The following is an entry in ClinVar:

NM_001379451.1(BCORL1):c.2180C>G (p.Ser727Cys)

Gene: BCORL1 (BCL6 corepressor like 1; plus strand). Cytogenetic location: Xq26.1.
Variant type: single nucleotide variant.
Coding change: c.2180C>G on transcript NM_001379451.1 (MANE Select); coding-DNA position 2180, C replaced by G.
Protein change: p.Ser727Cys; replaces serine 727 with cysteine.
Molecular consequence: missense variant.
Genome position (GRCh38, 1-based): chrX:130,014,952, C>G. VCF-style: chrX-130014952-C-G. GRCh37 (hg19) VCF-style: chrX-129148928-C-G.
Other names: c.2180C>G, p.Ser727Cys (NM_001184772.3, NM_001379450.1, NM_021946.5); short protein forms S727C.
Identifiers: ClinVar variation 1878680 (VCV001878680.1), dbSNP rs753285214, ClinGen allele CA335102893.

ClinVar aggregate classification (germline): Uncertain significance (1 of 4 stars; one submission).

Allele frequency attached by ClinVar (database versions not stated): gnomAD exomes 0.00003.
gnomAD v4.1: 37 of 1,211,721 alleles (0.0031%); highest among the groups gnomAD compares: Non-Finnish European, 0.004%; no homozygotes.

Submission:

GeneDx
Classification: Uncertain significance. Last evaluated: 2022-07-15. Review status: criteria provided, single submitter. Criteria: GeneDx Variant Classification Process June 2021. Collection method: clinical testing. Allele origin: germline. Affected: yes.
Comment: Not observed at significant frequency in large population cohorts (gnomAD); In silico analysis supports that this missense variant has a deleterious effect on protein structure/function; Has not been previously published as pathogenic or benign to our knowledge